The following is an entry in ClinVar:

ClinVar aggregate classification (germline): Benign/Likely benign. Review status: criteria provided, multiple submitters, no conflicts (2 of 4 stars). 3 submissions from 3 submitters: Benign (1); Likely benign (2). Last evaluated 2026-06-01.

Conditions:
Myasthenic syndrome, congenital, 22 (CMS22). Also called: PREPL DEFICIENCY. Identifiers: MedGen C4479088, MONDO:0044299, OMIM 616224.

Allele frequency attached by ClinVar (database versions not stated): gnomAD 0.00212 and 0.00209; TOPMed 0.00267; 1000 Genomes Project 0.00419; 1000 Genomes Project 30x 0.00484; gnomAD exomes 0.00084 and 0.00152; ExAC 0.00150; ESP Exome Variant Server 0.00185.
gnomAD v4.1: 1,664 of 1,613,910 alleles (0.1%); highest among the groups gnomAD compares: Middle Eastern, 0.66%; 2 homozygotes.

Submissions (3):

CeGaT Center for Human Genetics Tuebingen
Classification: Likely benign. Last evaluated: 2026-06-01. Review status: criteria provided, single submitter. Criteria: CeGaT Center For Human Genetics Tuebingen Variant Classification Criteria Version 2. Collection method: clinical testing. Allele origin: germline. Affected: yes. Observed: 5 variant alleles.
Comment: PREPL: BP4, BP7

Labcorp Genetics (formerly Invitae), Labcorp
Classification: Benign for Myasthenic syndrome, congenital, 22. Last evaluated: 2026-01-25. Review status: criteria provided, single submitter. Criteria: Invitae Variant Classification Sherloc (09022015). Collection method: clinical testing. Allele origin: germline.

Blueprint Genetics
Classification: Likely benign. Last evaluated: 2024-11-21. Review status: criteria provided, single submitter. Criteria: ACMG Guidelines, 2015. Collection method: clinical testing. Allele origin: germline.

NM_001171613.2(PREPL):c.687A>G (p.Glu229=)

Gene: PREPL (prolyl endopeptidase like; minus strand). Cytogenetic location: 2p21.
Variant type: single nucleotide variant.
Coding change: c.687A>G on transcript NM_001171613.2 (MANE Select); coding-DNA position 687, A replaced by G.
Protein change: p.Glu229=; no amino-acid change (glutamic acid 229 retained).
Molecular consequence: synonymous variant.
Genome position (GRCh38, 1-based): chr2:44,339,162, T>C on the plus strand (A>G on the coding strand, the complement: PREPL is on the minus strand). VCF-style: chr2-44339162-T-C. GRCh37 (hg19) VCF-style: chr2-44566301-T-C.
Other names: c.954A>G, p.Glu318= (NM_006036.4, NM_001042385.2, NM_001042386.2 and 4 more transcripts); c.687A>G, p.Glu229= (NM_001171617.1, NM_001374277.1).
Identifiers: ClinVar variation 478322 (VCV000478322.53), dbSNP rs113272276, ClinGen allele CA1641393.